The following is an entry in ClinVar:

ClinVar aggregate classification (germline): Uncertain significance (1 of 4 stars; one submission).

Submission:

Labcorp Genetics (formerly Invitae), Labcorp
Classification: Uncertain significance. Last evaluated: 2022-10-09. Review status: criteria provided, single submitter. Criteria: Invitae Variant Classification Sherloc (09022015). Collection method: clinical testing. Allele origin: germline.
Comment: In summary, the available evidence is currently insufficient to determine the role of this variant in disease. Therefore, it has been classified as a Variant of Uncertain Significance. Experimental studies and prediction algorithms are not available or were not evaluated, and the functional significance of this variant is currently unknown. This variant has not been reported in the literature in individuals affected with SLCO2A1-related conditions. This variant results in a copy number gain of the genomic region encompassing exon(s) 4-14 of the SLCO2A1 gene. This region includes the termination codon of the gene. This copy number gain extends beyond the assayed region for this gene and therefore may encompass additional genes. As the precise location of this event is unknown, it may be in tandem or it may be located elsewhere in the genome.

NC_000003.11:g.(?_133653557)_(133674057_?)dup

Gene: SLCO2A1 (solute carrier organic anion transporter family member 2A1; minus strand). Cytogenetic location: 3q22.1.
Variant type: Duplication.
Identifiers: ClinVar variation 2425391 (VCV002425391.4).